The following is an entry in ClinVar:

ClinVar aggregate classification (germline): Uncertain significance. Review status: criteria provided, multiple submitters, no conflicts (2 of 4 stars). 2 submissions from 2 submitters: Uncertain significance (2). Last evaluated 2025-10-01.

Conditions:
Hereditary cancer-predisposing syndrome. Also called: Tumor predisposition; Hereditary neoplastic syndrome; Neoplastic Syndromes, Hereditary; Hereditary Cancer Syndrome. Identifiers: Orphanet 140162, MedGen C0027672, MeSH D009386, MONDO:0015356.

Submissions (2):

Labcorp Genetics (formerly Invitae), Labcorp
Classification: Uncertain significance for Hereditary cancer-predisposing syndrome. Last evaluated: 2025-10-01. Review status: criteria provided, single submitter. Criteria: Invitae Variant Classification Sherloc (09022015). Collection method: clinical testing. Allele origin: germline.
Comment: This sequence change replaces arginine, which is basic and polar, with lysine, which is basic and polar, at codon 433 of the RAD50 protein (p.Arg433Lys). This variant is not present in population databases (gnomAD no frequency). This variant has not been reported in the literature in individuals affected with RAD50-related conditions. ClinVar contains an entry for this variant (Variation ID: 847218). Invitae Evidence Modeling of protein sequence and biophysical properties (such as structural, functional, and spatial information, amino acid conservation, physicochemical variation, residue mobility, and thermodynamic stability) indicates that this missense variant is not expected to disrupt RAD50 protein function with a negative predictive value of 80%. In summary, the available evidence is currently insufficient to determine the role of this variant in disease. Therefore, it has been classified as a Variant of Uncertain Significance.

Ambry Genetics
Classification: Uncertain significance for Hereditary cancer-predisposing syndrome. Last evaluated: 2024-11-14. Review status: criteria provided, single submitter. Criteria: Ambry Variant Classification Scheme 2023. Collection method: clinical testing. Allele origin: germline.
Comment: The p.R433K variant (also known as c.1298G>A), located in coding exon 9 of the RAD50 gene, results from a G to A substitution at nucleotide position 1298. The arginine at codon 433 is replaced by lysine, an amino acid with highly similar properties. This amino acid position is conserved. In addition, this alteration is predicted to be tolerated by in silico analysis. Based on the available evidence, the clinical significance of this variant remains unclear.

NM_005732.4(RAD50):c.1298G>A (p.Arg433Lys)

Gene: RAD50 (RAD50 double strand break repair protein; plus strand). Cytogenetic location: 5q31.1.
Variant type: single nucleotide variant.
Coding change: c.1298G>A on transcript NM_005732.4 (MANE Select); coding-DNA position 1298, G replaced by A.
Protein change: p.Arg433Lys; replaces arginine 433 with lysine.
Molecular consequence: missense variant.
Genome position (GRCh38, 1-based): chr5:132,589,683, G>A. VCF-style: chr5-132589683-G-A. GRCh37 (hg19) VCF-style: chr5-131925375-G-A.
Other names: short protein forms R433K.
Identifiers: ClinVar variation 847218 (VCV000847218.9), dbSNP rs1750662592, ClinGen allele CA360943712.